The following is an entry in ClinVar:

ClinVar aggregate classification (germline): Uncertain significance (1 of 4 stars; one submission).

Conditions:
Hereditary cancer-predisposing syndrome. Also called: Neoplastic Syndromes, Hereditary; Tumor predisposition; Hereditary Cancer Syndrome; Hereditary neoplastic syndrome. Identifiers: Orphanet 140162, MedGen C0027672, MeSH D009386, MONDO:0015356.

Submission:

Ambry Genetics
Classification: Uncertain significance for Hereditary cancer-predisposing syndrome. Last evaluated: 2022-06-18. Review status: criteria provided, single submitter. Criteria: Ambry Variant Classification Scheme 2023. Collection method: clinical testing. Allele origin: germline.
Comment: The p.I497T variant (also known as c.1490T>C), located in coding exon 12 of the MRE11A gene, results from a T to C substitution at nucleotide position 1490. The isoleucine at codon 497 is replaced by threonine, an amino acid with similar properties. This amino acid position is conserved. In addition, this alteration is predicted to be deleterious by in silico analysis. Since supporting evidence is limited at this time, the clinical significance of this alteration remains unclear.

NM_005591.4(MRE11):c.1490T>C (p.Ile497Thr)

Gene: MRE11 (MRE11 double strand break repair nuclease; minus strand). Cytogenetic location: 11q21.
Variant type: single nucleotide variant.
Coding change: c.1490T>C on transcript NM_005591.4 (MANE Select); coding-DNA position 1490, T replaced by C.
Protein change: p.Ile497Thr; replaces isoleucine 497 with threonine.
Molecular consequence: missense variant.
Genome position (GRCh38, 1-based): chr11:94,459,418, A>G on the plus strand (T>C on the coding strand, the complement: MRE11 is on the minus strand). VCF-style: chr11-94459418-A-G. GRCh37 (hg19) VCF-style: chr11-94192584-A-G.
Other names: c.1490T>C, p.Ile497Thr (NM_001330347.2, NM_005590.4); short protein forms I497T.
Identifiers: ClinVar variation 1800123 (VCV001800123.2), dbSNP rs2496384061, ClinGen allele CA382371643.